The following is an entry in ClinVar:

NM_001184.4(ATR):c.7185A>G (p.Lys2395=)

Gene: ATR (ATR checkpoint kinase; minus strand). Cytogenetic location: 3q23.
Variant type: single nucleotide variant.
Coding change: c.7185A>G on transcript NM_001184.4 (MANE Select); coding-DNA position 7185, A replaced by G.
Protein change: p.Lys2395=; no amino-acid change (lysine 2395 retained).
Molecular consequence: synonymous variant.
Genome position (GRCh38, 1-based): chr3:142,461,947, T>C on the plus strand (A>G on the coding strand, the complement: ATR is on the minus strand). VCF-style: chr3-142461947-T-C. GRCh37 (hg19) VCF-style: chr3-142180789-T-C.
Other names: c.6993A>G, p.Lys2331= (NM_001354579.2).
Identifiers: ClinVar variation 514352 (VCV000514352.13), dbSNP rs749700431, ClinGen allele CA2649197.

ClinVar aggregate classification (germline): Likely benign. Review status: criteria provided, multiple submitters, no conflicts (2 of 4 stars). 4 submissions from 4 submitters: Likely benign (3). 1 of the submissions does not count toward it. Last evaluated 2025-05-04.

Conditions:
Inborn genetic diseases. Identifiers: MedGen C0950123, MeSH D030342.
ATR-related disorder. Also called: ATR-related condition.

Allele frequency attached by ClinVar (database versions not stated): gnomAD exomes below 0.00001; ExAC 0.00001.
gnomAD v4.1: 1 of 1,613,474 alleles (0.000062%); highest among the groups gnomAD compares: Non-Finnish European, 0.000085%; no homozygotes.

Submissions (4):

Labcorp Genetics (formerly Invitae), Labcorp
Classification: Likely benign. Last evaluated: 2025-05-04. Review status: criteria provided, single submitter. Criteria: Invitae Variant Classification Sherloc (09022015). Collection method: clinical testing. Allele origin: germline.

Ambry Genetics
Classification: Likely benign for Inborn genetic diseases. Last evaluated: 2022-03-24. Review status: criteria provided, single submitter. Criteria: Ambry Variant Classification Scheme 2023. Collection method: clinical testing. Allele origin: germline.

GeneDx
Classification: Likely benign. Last evaluated: 2018-01-12. Review status: criteria provided, single submitter. Criteria: GeneDx Variant Classification (06012015). Collection method: clinical testing. Allele origin: germline. Affected: yes.
Comment: This variant is considered likely benign or benign based on one or more of the following criteria: it is a conservative change, it occurs at a poorly conserved position in the protein, it is predicted to be benign by multiple in silico algorithms, and/or has population frequency not consistent with disease.

PreventionGenetics, part of Exact Sciences
Classification: Likely benign for ATR-related condition. Last evaluated: 2020-12-09. Review status: no assertion criteria provided. Collection method: clinical testing. Allele origin: germline. Not counted in ClinVar's aggregate classification.
Comment: This variant is classified as likely benign based on ACMG/AMP sequence variant interpretation guidelines (Richards et al. 2015 PMID: 25741868, with internal and published modifications).